The following is an entry in ClinVar:

ClinVar aggregate classification (germline): Conflicting classifications of pathogenicity. Review status: criteria provided, conflicting classifications (1 of 4 stars). 9 submissions from 8 submitters: Uncertain significance (6); Likely benign (2). 1 of the submissions does not count toward it. Last evaluated 2026-06-03.

Conditions:
MKS1-related disorder. Also called: MKS1-related disorders; MKS1-related condition. Identifiers: MedGen CN239382.
Joubert syndrome. Also called: Familial aplasia of the vermis; JOUBERT-BOLTSHAUSER SYNDROME. Identifiers: Orphanet 475, MedGen C5979921, MONDO:0018772.
Meckel-Gruber syndrome. Also called: DYSENCEPHALIA SPLANCHNOCYSTICA; GRUBER SYNDROME; Dysencephalia splachnocystica. Identifiers: Orphanet 564, MedGen C0265215, MONDO:0018921.
Bardet-Biedl syndrome 13 (BBS13). Identifiers: Orphanet 110, MedGen C2673873, MONDO:0014441, OMIM 615990.
Inborn genetic diseases. Identifiers: MedGen C0950123, MeSH D030342.
Meckel syndrome, type 1 (MKS1). Also called: MECKEL-GRUBER SYNDROME, TYPE 1. Identifiers: Orphanet 564, MedGen C3714506, MONDO:0009571, OMIM 249000.

Allele frequency attached by ClinVar (database versions not stated): gnomAD 0.00015 and 0.00018; ESP Exome Variant Server 0.00016; gnomAD exomes 0.00019 and 0.00023; TOPMed 0.00022; ExAC 0.00028.
gnomAD v4.1: 302 of 1,606,980 alleles (0.019%); highest among the groups gnomAD compares: Non-Finnish European, 0.022%; no homozygotes.

Submissions (9):

PreventionGenetics, part of Exact Sciences
Classification: Uncertain significance for MKS1-related condition. Last evaluated: 2026-06-03. Review status: criteria provided, single submitter. Criteria: ACMG Guidelines, 2015. Collection method: clinical testing. Allele origin: germline.
Comment: The MKS1 c.491G>A variant is predicted to result in the amino acid substitution p.Arg164His. This variant has been identified in an individual with Joubert syndrome; however, this individual also had likely causative compound heterozygous variants in C5ORF42 and additional variants in TTC21B and NPHP1 (Table S5, Phelps et al. 2018. PubMed ID: 28771248). This variant is reported in 0.036% of alleles in individuals of East Asian descent in gnomAD, and one homozygous individual has been documented. Although we suspect that this variant may be benign, at this time, the clinical significance of this variant is uncertain due to the absence of conclusive functional and genetic evidence.

Ambry Genetics
Classification: Uncertain significance for Inborn genetic diseases. Last evaluated: 2026-05-28. Review status: criteria provided, single submitter. Criteria: Ambry Variant Classification Scheme 2023. Collection method: clinical testing. Allele origin: germline.
Comment: The c.491G>A (p.R164H) alteration is located in exon 5 (coding exon 5) of the MKS1 gene. This alteration results from a G to A substitution at nucleotide position 491, causing the arginine (R) at amino acid position 164 to be replaced by a histidine (H). Based on data from gnomAD, the A allele has an overall frequency of 0.024% (65/275972) total alleles studied. The highest observed frequency was 0.07% (5/7118) of Other alleles. Based on insufficient or conflicting evidence, the clinical significance of this alteration remains unclear.

Labcorp Genetics (formerly Invitae), Labcorp
Classification: Likely benign for Joubert syndrome; Meckel-Gruber syndrome. Last evaluated: 2026-01-28. Review status: criteria provided, single submitter. Criteria: Invitae Variant Classification Sherloc (09022015). Collection method: clinical testing. Allele origin: germline.

Blueprint Genetics
Classification: Likely benign. Last evaluated: 2024-11-25. Review status: criteria provided, single submitter. Criteria: ACMG Guidelines, 2015. Collection method: clinical testing. Allele origin: germline.

Revvity Omics, Revvity
Classification: Uncertain significance. Last evaluated: 2021-10-25. Review status: criteria provided, single submitter. Criteria: ACMG Guidelines, 2015. Collection method: clinical testing. Allele origin: germline.

Illumina Laboratory Services, Illumina
Classification: Uncertain significance for Bardet-Biedl syndrome 13. Last evaluated: 2018-01-13. Review status: criteria provided, single submitter. Criteria: ICSL Variant Classification Criteria 13 December 2019. Collection method: clinical testing. Allele origin: germline.

Illumina Laboratory Services, Illumina
Classification: Uncertain significance for Meckel syndrome, type 1. Last evaluated: 2018-01-13. Review status: criteria provided, single submitter. Criteria: ICSL Variant Classification Criteria 13 December 2019. Collection method: clinical testing. Allele origin: germline.

Eurofins Ntd Llc (ga)
Classification: Uncertain significance. Last evaluated: 2017-11-22. Review status: criteria provided, single submitter. Criteria: EGL Classification Definitions 2015. Collection method: clinical testing. Allele origin: germline. Observed: 1 variant allele, 1 heterozygote.

Natera, Inc.
Classification: Likely benign for Meckel syndrome type 1. Last evaluated: 2020-02-12. Review status: no assertion criteria provided. Collection method: clinical testing. Allele origin: germline. Not counted in ClinVar's aggregate classification.

NM_017777.4(MKS1):c.491G>A (p.Arg164His)

Gene: MKS1 (MKS transition zone complex subunit 1; minus strand). Cytogenetic location: 17q22.
Variant type: single nucleotide variant.
Coding change: c.491G>A on transcript NM_017777.4 (MANE Select); coding-DNA position 491, G replaced by A.
Protein change: p.Arg164His; replaces arginine 164 with histidine.
Molecular consequence: missense variant. On other transcripts: intron variant (1).
Genome position (GRCh38, 1-based): chr17:58,214,765, C>T on the plus strand (G>A on the coding strand, the complement: MKS1 is on the minus strand). VCF-style: chr17-58214765-C-T. GRCh37 (hg19) VCF-style: chr17-56292126-C-T.
Other names: c.491G>A, p.Arg164His (NM_001321269.2, NM_001330397.2); c.-94-378G>A (NM_001321268.2); short protein forms R164H.
Identifiers: ClinVar variation 324166 (VCV000324166.34), dbSNP rs200149256, ClinGen allele CA8669506.